The following is an entry in ClinVar:

NM_015192.4(PLCB1):c.1433G>T (p.Gly478Val)

Gene: PLCB1 (phospholipase C beta 1; plus strand). Cytogenetic location: 20p12.3.
Variant type: single nucleotide variant.
Coding change: c.1433G>T on transcript NM_015192.4 (MANE Select); coding-DNA position 1433, G replaced by T.
Protein change: p.Gly478Val; replaces glycine 478 with valine.
Molecular consequence: missense variant.
Genome position (GRCh38, 1-based): chr20:8,717,768, G>T. VCF-style: chr20-8717768-G-T. GRCh37 (hg19) VCF-style: chr20-8698415-G-T.
Other names: c.1433G>T, p.Gly478Val (NM_182734.3); short protein forms G478V.
Identifiers: ClinVar variation 571530 (VCV000571530.15), dbSNP rs146833633, ClinGen allele CA9759945.

ClinVar aggregate classification (germline): Uncertain significance. Review status: criteria provided, multiple submitters, no conflicts (2 of 4 stars). 4 submissions from 4 submitters: Uncertain significance (4). Last evaluated 2025-04-24.

Conditions:
Inborn genetic diseases. Identifiers: MedGen C0950123, MeSH D030342.
Developmental and epileptic encephalopathy, 12 (DEE12). Identifiers: MedGen C3150988, MONDO:0013389, OMIM 613722.

Allele frequency attached by ClinVar (database versions not stated): gnomAD exomes 0.00002 and 0.00004; ExAC 0.00005; ESP Exome Variant Server 0.00015; gnomAD 0.00017; TOPMed 0.00019; 1000 Genomes Project 30x 0.00031; 1000 Genomes Project 0.00040.
gnomAD v4.1: 55 of 1,613,926 alleles (0.0034%); highest among the groups gnomAD compares: African/African-American, 0.067%; no homozygotes.

Submissions (4):

GeneDx
Classification: Uncertain significance. Last evaluated: 2025-04-24. Review status: criteria provided, single submitter. Criteria: GeneDx Variant Classification Process June 2021. Collection method: clinical testing. Allele origin: germline. Affected: yes.
Comment: In silico analysis indicates that this missense variant does not alter protein structure/function; Has not been previously published as pathogenic or benign to our knowledge

Labcorp Genetics (formerly Invitae), Labcorp
Classification: Uncertain significance for Developmental and epileptic encephalopathy, 12. Last evaluated: 2022-09-27. Review status: criteria provided, single submitter. Criteria: Invitae Variant Classification Sherloc (09022015). Collection method: clinical testing. Allele origin: germline.
Comment: This sequence change replaces glycine, which is neutral and non-polar, with valine, which is neutral and non-polar, at codon 478 of the PLCB1 protein (p.Gly478Val). This variant is present in population databases (rs146833633, gnomAD 0.05%). This variant has not been reported in the literature in individuals affected with PLCB1-related conditions. ClinVar contains an entry for this variant (Variation ID: 571530). Advanced modeling of protein sequence and biophysical properties (such as structural, functional, and spatial information, amino acid conservation, physicochemical variation, residue mobility, and thermodynamic stability) performed at Invitae indicates that this missense variant is not expected to disrupt PLCB1 protein function. In summary, the available evidence is currently insufficient to determine the role of this variant in disease. Therefore, it has been classified as a Variant of Uncertain Significance.

Ambry Genetics
Classification: Uncertain significance for Inborn genetic diseases. Last evaluated: 2018-06-21. Review status: criteria provided, single submitter. Criteria: Ambry Variant Classification Scheme 2023. Collection method: clinical testing. Allele origin: germline.
Comment: The p.G478V variant (also known as c.1433G>T), located in coding exon 14 of the PLCB1 gene, results from a G to T substitution at nucleotide position 1433. The glycine at codon 478 is replaced by valine, an amino acid with dissimilar properties. This amino acid position is not well conserved in available vertebrate species. In addition, this alteration is predicted to be tolerated by in silico analysis. Since supporting evidence is limited at this time, the clinical significance of this alteration remains unclear.

Eurofins Ntd Llc (ga)
Classification: Uncertain significance. Last evaluated: 2017-07-26. Review status: criteria provided, single submitter. Criteria: EGL Classification Definitions 2015. Collection method: clinical testing. Allele origin: germline. Observed: 1 variant allele, 1 heterozygote.